The following is an entry in ClinVar:

ClinVar aggregate classification (germline): Conflicting classifications of pathogenicity. Review status: criteria provided, conflicting classifications (1 of 4 stars). 2 submissions from 2 submitters: Uncertain significance (1); Likely benign (1). Last evaluated 2026-01-14.

Conditions:
Hereditary pulmonary alveolar proteinosis. Also called: Pulmonary surfactant metabolism dysfunction. Identifiers: Orphanet 264675, MedGen C3711368, MONDO:0012580.

Allele frequency attached by ClinVar (database versions not stated): ExAC 0.00014; gnomAD 0.00023; TOPMed 0.00023; 1000 Genomes Project 0.00120; 1000 Genomes Project 30x 0.00141; gnomAD exomes 0.00001; ESP Exome Variant Server 0.00008.
gnomAD v4.1: 50 of 1,599,230 alleles (0.0031%); highest among the groups gnomAD compares: African/African-American, 0.049%; no homozygotes.

Submissions (2):

Labcorp Genetics (formerly Invitae), Labcorp
Classification: Likely benign. Last evaluated: 2026-01-14. Review status: criteria provided, single submitter. Criteria: Invitae Variant Classification Sherloc (09022015). Collection method: clinical testing. Allele origin: germline.

Ambry Genetics
Classification: Uncertain significance for Hereditary pulmonary alveolar proteinosis. Last evaluated: 2015-10-12. Review status: criteria provided, single submitter. Criteria: Ambry Variant Classification Scheme 2023. Collection method: clinical testing. Allele origin: germline.
Comment: The c.3483+15G>A intronic variant results from a G to A substitution 15 nucleotides after coding exon 20 in the ABCA3 gene. This variant was previously reported in the SNPDatabase as rs373729203. Based on data from the NHLBI Exome Sequencing Project (ESP), the A allele has an overall frequency of approximately 0.01% (1/12962) total alleles studied, having been observed in 0.02% (1/4386) African American alleles. Allele frequency data for this nucleotide position is not currently available from the 1000 Genomes Project. This nucleotide position is poorly conserved in available vertebrate species. Using the ESEfinder splice site prediction tool, this alteration is not predicted to have any significant effect on the native splice donor site; however, direct evidence is unavailable. Since supporting evidence is limited at this time, the clinical significance of this variant remains unclear.

NM_001089.3(ABCA3):c.3483+15G>A

Gene: ABCA3 (ATP binding cassette subfamily A member 3; minus strand). Cytogenetic location: 16p13.3.
Variant type: single nucleotide variant.
Coding change: c.3483+15G>A on transcript NM_001089.3 (MANE Select); 15 bases into the intron after coding-DNA position 3483, G replaced by A.
Molecular consequence: intron variant.
Genome position (GRCh38, 1-based): chr16:2,285,427, C>T on the plus strand (G>A on the coding strand, the complement: ABCA3 is on the minus strand). VCF-style: chr16-2285427-C-T. GRCh37 (hg19) VCF-style: chr16-2335428-C-T.
Identifiers: ClinVar variation 1731858 (VCV001731858.5), dbSNP rs373729203, ClinGen allele CA7840505.